The following is an entry in ClinVar:

ClinVar aggregate classification (germline): Pathogenic. Review status: criteria provided, multiple submitters, no conflicts (2 of 4 stars). 2 submissions from 2 submitters: Pathogenic (2). Last evaluated 2025-03-02.

Conditions:
Encephalopathy due to GLUT1 deficiency. Also called: Glucose transporter protein syndrome; De Vivo disease; GLUT1 deficiency syndrome 1, infantile onset, severe; GLUT1 deficiency syndrome 1; GLUCOSE TRANSPORT DEFECT, BLOOD-BRAIN BARRIER; Classic Glucose Transporter Type 1 Deficiency Syndrome. Identifiers: Orphanet 71277, MedGen C4551966, MONDO:0011724, OMIM 606777.
Childhood onset GLUT1 deficiency syndrome 2. Also called: PAROXYSMAL EXERCISE-INDUCED DYSKINESIA WITH OR WITHOUT EPILEPSY AND/OR HEMOLYTIC ANEMIA; PAROXYSMAL EXERTION-INDUCED DYSTONIA WITH OR WITHOUT EPILEPSY AND/OR HEMOLYTIC ANEMIA; PED WITH OR WITHOUT EPILEPSY AND/OR HEMOLYTIC ANEMIA; GLUT1 deficiency syndrome 2; PxMD-SLC2A1; Exertion-induced paroxysmal dyskinesia. Identifiers: Orphanet 98811, MedGen C1842534, MONDO:0012805, OMIM 612126.
GLUT1 deficiency syndrome 1, autosomal recessive. Identifiers: MedGen C3149117.

Submissions (2):

Labcorp Genetics (formerly Invitae), Labcorp
Classification: Pathogenic for GLUT1 deficiency syndrome 1, autosomal recessive. Last evaluated: 2025-03-02. Review status: criteria provided, single submitter. Criteria: Invitae Variant Classification Sherloc (09022015). Collection method: clinical testing. Allele origin: germline.
Comment: This sequence change creates a premature translational stop signal (p.Gln360*) in the SLC2A1 gene. It is expected to result in an absent or disrupted protein product. Loss-of-function variants in SLC2A1 are known to be pathogenic (PMID: 21832227, 26193382). This variant is not present in population databases (gnomAD no frequency). This premature translational stop signal has been observed in individual(s) with epilepsy (PMID: 29223885). For these reasons, this variant has been classified as Pathogenic.

University of Washington Department of Laboratory Medicine, University of Washington
Classification: Pathogenic for Encephalopathy due to GLUT1 deficiency; Childhood onset GLUT1 deficiency syndrome 2. Last evaluated: 2022-09-13. Review status: criteria provided, single submitter. Criteria: ACMG Guidelines, 2015. Collection method: clinical testing. Allele origin: de novo. Affected: yes.
Comment: The p.Gln360* variant was absent from large population databases, including the Genome Aggregation Database. This variant leads to a premature termination codon in exon 9 of 10 exons and is predicted to undergo nonsense-mediated decay resulting in absent protein expression. These predictions have not been tested directly. Heterozygous loss of function leading to haploinsufficiency of the SLC2A1 gene is an established mechanism of disease. Using ACMG guidelines, this variant was classified as pathogenic for autosomal dominant GLUT1 deficiency syndrome (ACMG evidence codes used: PVS1, PS2, PM2_supporting).

Literature cited by the submitters: PubMed 21832227 (cited by Labcorp Genetics (formerly Invitae), Labcorp); PubMed 26193382 (cited by Labcorp Genetics (formerly Invitae), Labcorp); PubMed 29223885 (cited by Labcorp Genetics (formerly Invitae), Labcorp).

NM_006516.4(SLC2A1):c.1078C>T (p.Gln360Ter)

Gene: SLC2A1 (solute carrier family 2 member 1; minus strand). Cytogenetic location: 1p34.2.
Variant type: single nucleotide variant.
Coding change: c.1078C>T on transcript NM_006516.4 (MANE Select); coding-DNA position 1078, C replaced by T.
Protein change: p.Gln360Ter; replaces glutamine 360 with a stop codon.
Molecular consequence: nonsense.
Genome position (GRCh38, 1-based): chr1:42,927,805, G>A on the plus strand (C>T on the coding strand, the complement: SLC2A1 is on the minus strand). VCF-style: chr1-42927805-G-A. GRCh37 (hg19) VCF-style: chr1-43393476-G-A.
Other names: c.1078C>T (NM_006516.2); short protein forms Q360*.
Identifiers: ClinVar variation 3777183 (VCV003777183.2).
Genomic context (GRCh38, chr1:42,927,805, plus strand): 5'-CAAAGAAGGCCACAAAGCCAAAGATGGCCACGATGCTCAGATAGGACATCCAGGGTAGCT[G>A]CTCCTGTTGAGGATGACGGAGAGGGGGAAAAGTTAGACTGGGTTGTGATGGATCCTCAGG-3'